The following is an entry in ClinVar:

NM_000132.4(F8):c.5417C>T (p.Ser1806Phe)

Gene: F8 (coagulation factor VIII; minus strand). Cytogenetic location: Xq28.
Variant type: single nucleotide variant.
Coding change: c.5417C>T on transcript NM_000132.4 (MANE Select); coding-DNA position 5417, C replaced by T.
Protein change: p.Ser1806Phe; replaces serine 1806 with phenylalanine.
Molecular consequence: missense variant.
Genome position (GRCh38, 1-based): chrX:154,904,980, G>A on the plus strand (C>T on the coding strand, the complement: F8 is on the minus strand). VCF-style: chrX-154904980-G-A. GRCh37 (hg19) VCF-style: chrX-154133255-G-A.
Other names: short protein forms S1806F.
Identifiers: ClinVar variation 618634 (VCV000618634.8), dbSNP rs1569559523, ClinGen allele CA414908914.

ClinVar aggregate classification (germline): Likely pathogenic (1 of 4 stars; one submission).

Submission:

ARUP Laboratories, Molecular Genetics and Genomics, ARUP Laboratories
Classification: Likely pathogenic. Last evaluated: 2017-10-18. Review status: criteria provided, single submitter. Criteria: ARUP Molecular Germline Variant Investigation Process. Collection method: clinical testing. Allele origin: germline.
Comment: The F8 c.5417C>T; p.Ser1806Phe variant is not described in the medical literature, in gene-specific databases, or in the ClinVar database. However, two other variants in this codon, p.Ser1806Pro and p.Ser1806Tyr, are reported in the medical literature in individuals with hemophilia A (Ravanbod 2012, Rydz 2013). The c.5417C>T; p.Ser1806Phe variant is not listed in the dbSNP variant database or in the general population-based database (Exome Variant Server, Genome Aggregation Database). The amino acid at this position is conserved across species and computational algorithms (AlignGVGD, PolyPhen2, SIFT) predict this variant is deleterious. Considering available information, this variant is classified as likely pathogenic. References: Ravanbod S et al. Identification of 123 previously unreported mutations in the F8 gene of Iranian patients with haemophilia A. Haemophilia. 2012 May;18(3):e340-6. Rydz N et al. The Canadian National Program for hemophilia mutation testing" database: a ten-year review. Am J Hematol. 2013 Dec;88(12):1030-4. "